The following is an entry in ClinVar:

NM_016239.4(MYO15A):c.1887G>C (p.Arg629Ser)

Gene: MYO15A (myosin XVA; plus strand). Cytogenetic location: 17p11.2.
Variant type: single nucleotide variant.
Coding change: c.1887G>C on transcript NM_016239.4 (MANE Select); coding-DNA position 1887, G replaced by C.
Protein change: p.Arg629Ser; replaces arginine 629 with serine.
Molecular consequence: missense variant.
Genome position (GRCh38, 1-based): chr17:18,120,687, G>C. VCF-style: chr17-18120687-G-C. GRCh37 (hg19) VCF-style: chr17-18024001-G-C.
Other names: short protein forms R629S.
Identifiers: ClinVar variation 2008988 (VCV002008988.4), dbSNP rs2545183383, ClinGen allele CA398580230.

ClinVar aggregate classification (germline): Uncertain significance (1 of 4 stars; one submission).

Submission:

Labcorp Genetics (formerly Invitae), Labcorp
Classification: Uncertain significance. Last evaluated: 2022-10-17. Review status: criteria provided, single submitter. Criteria: Invitae Variant Classification Sherloc (09022015). Collection method: clinical testing. Allele origin: germline.
Comment: This sequence change replaces arginine, which is basic and polar, with serine, which is neutral and polar, at codon 629 of the MYO15A protein (p.Arg629Ser). This variant is not present in population databases (gnomAD no frequency). This variant has not been reported in the literature in individuals affected with MYO15A-related conditions. Advanced modeling of protein sequence and biophysical properties (such as structural, functional, and spatial information, amino acid conservation, physicochemical variation, residue mobility, and thermodynamic stability) performed at Invitae indicates that this missense variant is not expected to disrupt MYO15A protein function. In summary, the available evidence is currently insufficient to determine the role of this variant in disease. Therefore, it has been classified as a Variant of Uncertain Significance.